The following is an entry in ClinVar:

NM_020549.5(CHAT):c.413C>T (p.Pro138Leu)

Gene: CHAT (choline O-acetyltransferase; plus strand). Cytogenetic location: 10q11.23.
Variant type: single nucleotide variant.
Coding change: c.413C>T on transcript NM_020549.5 (MANE Select); coding-DNA position 413, C replaced by T.
Protein change: p.Pro138Leu; replaces proline 138 with leucine.
Molecular consequence: missense variant.
Genome position (GRCh38, 1-based): chr10:49,619,750, C>T. VCF-style: chr10-49619750-C-T. GRCh37 (hg19) VCF-style: chr10-50827796-C-T.
Other names: c.59C>T, p.Pro20Leu (NM_001142929.2, NM_001142934.2, NM_020984.4 and 2 more transcripts); c.167C>T, p.Pro56Leu (NM_001142933.2); short protein forms P56L, P138L, P20L.
Identifiers: ClinVar variation 1043977 (VCV001043977.6), dbSNP rs557059182, ClinGen allele CA5497138.

ClinVar aggregate classification (germline): Uncertain significance (1 of 4 stars; one submission).

Conditions:
Familial infantile myasthenia (CMS6). Also called: Congenital myasthenic syndrome type 6; MYASTHENIC SYNDROME, CONGENITAL, 6, PRESYNAPTIC; MYASTHENIC SYNDROME, PRESYNAPTIC, CONGENITAL, ASSOCIATED WITH EPISODIC APNEA. Identifiers: Orphanet 590, MedGen C0393929, MONDO:0009689, OMIM 254210.

Allele frequency attached by ClinVar (database versions not stated): gnomAD 0.00001 and 0.00002; 1000 Genomes Project 30x 0.00016; 1000 Genomes Project 0.00020.
gnomAD v4.1: 47 of 1,613,212 alleles (0.0029%); highest among the groups gnomAD compares: South Asian, 0.036%; no homozygotes.

Submission:

Labcorp Genetics (formerly Invitae), Labcorp
Classification: Uncertain significance for Familial infantile myasthenia. Last evaluated: 2022-08-09. Review status: criteria provided, single submitter. Criteria: Invitae Variant Classification Sherloc (09022015). Collection method: clinical testing. Allele origin: germline.
Comment: This sequence change replaces proline, which is neutral and non-polar, with leucine, which is neutral and non-polar, at codon 138 of the CHAT protein (p.Pro138Leu). This variant is present in population databases (rs557059182, gnomAD 0.02%). This variant has not been reported in the literature in individuals affected with CHAT-related conditions. ClinVar contains an entry for this variant (Variation ID: 1043977). Advanced modeling of protein sequence and biophysical properties (such as structural, functional, and spatial information, amino acid conservation, physicochemical variation, residue mobility, and thermodynamic stability) performed at Invitae indicates that this missense variant is not expected to disrupt CHAT protein function. In summary, the available evidence is currently insufficient to determine the role of this variant in disease. Therefore, it has been classified as a Variant of Uncertain Significance.